The following is an entry in ClinVar:

ClinVar aggregate classification (germline): Uncertain significance (1 of 4 stars; one submission).

Submission:

Labcorp Genetics (formerly Invitae), Labcorp
Classification: Uncertain significance. Last evaluated: 2024-03-27. Review status: criteria provided, single submitter. Criteria: Invitae Variant Classification Sherloc (09022015). Collection method: clinical testing. Allele origin: germline.
Comment: This sequence change replaces phenylalanine, which is neutral and non-polar, with cysteine, which is neutral and slightly polar, at codon 642 of the POLA1 protein (p.Phe642Cys). This variant is not present in population databases (gnomAD no frequency). This variant has not been reported in the literature in individuals affected with POLA1-related conditions. Advanced modeling of protein sequence and biophysical properties (such as structural, functional, and spatial information, amino acid conservation, physicochemical variation, residue mobility, and thermodynamic stability) performed at Invitae indicates that this missense variant is expected to disrupt POLA1 protein function with a positive predictive value of 80%. In summary, the available evidence is currently insufficient to determine the role of this variant in disease. Therefore, it has been classified as a Variant of Uncertain Significance.

NM_001330360.2(POLA1):c.1943T>G (p.Phe648Cys)

Gene: POLA1 (DNA polymerase alpha 1, catalytic subunit; plus strand). Cytogenetic location: Xp22.11.
Variant type: single nucleotide variant.
Coding change: c.1943T>G on transcript NM_001330360.2 (MANE Select); coding-DNA position 1943, T replaced by G.
Protein change: p.Phe648Cys; replaces phenylalanine 648 with cysteine.
Molecular consequence: missense variant. On other transcripts: non-coding transcript variant (1).
Genome position (GRCh38, 1-based): chrX:24,737,644, T>G. VCF-style: chrX-24737644-T-G. GRCh37 (hg19) VCF-style: chrX-24755761-T-G.
Other names: c.1868T>G, p.Phe623Cys (NM_001378303.1); c.1925T>G, p.Phe642Cys (NM_016937.4); short protein forms F623C, F642C, F648C.
Identifiers: ClinVar variation 3691618 (VCV003691618.2).